The following is an entry in ClinVar:

NM_182914.3(SYNE2):c.14421C>G (p.Asn4807Lys)

Gene: SYNE2 (spectrin repeat containing nuclear envelope protein 2; plus strand). Cytogenetic location: 14q23.2.
Variant type: single nucleotide variant.
Coding change: c.14421C>G on transcript NM_182914.3 (MANE Select); coding-DNA position 14421, C replaced by G.
Protein change: p.Asn4807Lys; replaces asparagine 4807 with lysine.
Molecular consequence: missense variant.
Genome position (GRCh38, 1-based): chr14:64,132,345, C>G. VCF-style: chr14-64132345-C-G. GRCh37 (hg19) VCF-style: chr14-64599063-C-G.
Other names: c.14421C>G, p.Asn4807Lys (NM_015180.6); short protein forms N4807K.
Identifiers: ClinVar variation 2909047 (VCV002909047.3), dbSNP rs1567403969, ClinGen allele CA389983452.

ClinVar aggregate classification (germline): Uncertain significance (1 of 4 stars; one submission).

Conditions:
Emery-Dreifuss muscular dystrophy 5, autosomal dominant (EDMD5). Also called: EMERY-DREIFUSS MUSCULAR DYSTROPHY 5. Identifiers: Orphanet 261, MedGen C2751805, MONDO:0013072, OMIM 612999.

Allele frequency attached by ClinVar (database versions not stated): gnomAD exomes below 0.00001.
gnomAD v4.1: 3 of 1,614,096 alleles (0.00019%); highest among the groups gnomAD compares: Admixed American, 0.0017%; no homozygotes.

Submission:

Labcorp Genetics (formerly Invitae), Labcorp
Classification: Uncertain significance for Emery-Dreifuss muscular dystrophy 5, autosomal dominant. Last evaluated: 2025-08-18. Review status: criteria provided, single submitter. Criteria: Invitae Variant Classification Sherloc (09022015). Collection method: clinical testing. Allele origin: germline.
Comment: This sequence change replaces asparagine, which is neutral and polar, with lysine, which is basic and polar, at codon 4807 of the SYNE2 protein (p.Asn4807Lys). This variant is present in population databases (no rsID available, gnomAD 0.003%). This variant has not been reported in the literature in individuals affected with SYNE2-related conditions. ClinVar contains an entry for this variant (Variation ID: 2909047). An algorithm developed to predict the effect of missense changes on protein structure and function outputs the following: PolyPhen-2: "Benign". The lysine amino acid residue is found in multiple mammalian species, which suggests that this missense change does not adversely affect protein function. In summary, the available evidence is currently insufficient to determine the role of this variant in disease. Therefore, it has been classified as a Variant of Uncertain Significance.